The following is an entry in ClinVar:

NM_001079855.2(GYG2):c.1110G>C (p.Gln370His)

Gene: GYG2 (glycogenin 2; plus strand). Cytogenetic location: Xp22.33.
Variant type: single nucleotide variant.
Coding change: c.1110G>C on transcript NM_001079855.2 (MANE Select); coding-DNA position 1110, G replaced by C.
Protein change: p.Gln370His; replaces glutamine 370 with histidine.
Molecular consequence: missense variant. On other transcripts: intron variant (2).
Genome position (GRCh38, 1-based): chrX:2,875,881, G>C. VCF-style: chrX-2875881-G-C. GRCh37 (hg19) VCF-style: chrX-2793922-G-C.
Other names: c.1110G>C, p.Gln370His (NM_001184702.2); c.1203G>C, p.Gln401His (NM_003918.3); c.1132-5171G>C (NM_001184703.2); c.574-5171G>C (NM_001184704.2); short protein forms Q370H, Q401H.
Identifiers: ClinVar variation 1678786 (VCV001678786.5), dbSNP rs145525914, ClinGen allele CA10337254.

ClinVar aggregate classification (germline): Conflicting classifications of pathogenicity. Review status: criteria provided, conflicting classifications (1 of 4 stars). 2 submissions from 2 submitters: Uncertain significance (1); Likely benign (1). Last evaluated 2025-07-23.

Allele frequency attached by ClinVar (database versions not stated): gnomAD 0.00016 and 0.00015; TOPMed 0.00015; ESP Exome Variant Server 0.00019.
gnomAD v4.1: 215 of 1,177,005 alleles (0.018%); highest among the groups gnomAD compares: Middle Eastern, 0.3%; no homozygotes.

Submissions (2):

Labcorp Genetics (formerly Invitae), Labcorp
Classification: Uncertain significance. Last evaluated: 2025-07-23. Review status: criteria provided, single submitter. Criteria: Invitae Variant Classification Sherloc (09022015). Collection method: clinical testing. Allele origin: germline.
Comment: This sequence change replaces glutamine, which is neutral and polar, with histidine, which is basic and polar, at codon 401 of the GYG2 protein (p.Gln401His). This variant is present in population databases (rs145525914, gnomAD 0.2%), and has an allele count higher than expected for a pathogenic variant. This missense change has been observed in individual(s) with autism spectrum disorder (PMID: 25363768). ClinVar contains an entry for this variant (Variation ID: 1678786). An algorithm developed to predict the effect of missense changes on protein structure and function (PolyPhen-2) suggests that this variant is likely to be disruptive. In summary, the available evidence is currently insufficient to determine the role of this variant in disease. Therefore, it has been classified as a Variant of Uncertain Significance.

GeneDx
Classification: Likely benign. Last evaluated: 2018-07-30. Review status: criteria provided, single submitter. Criteria: GeneDx Variant Classification Process June 2021. Collection method: clinical testing. Allele origin: germline. Affected: yes.
Comment: See Variant Classification Assertion Criteria.

Literature cited by the submitters: PubMed 25363768 (cited by Labcorp Genetics (formerly Invitae), Labcorp).